The following is an entry in ClinVar:

ClinVar aggregate classification (germline): Pathogenic (1 of 4 stars; one submission).

Conditions:
Severe myoclonic epilepsy in infancy (DRVT). Also called: Epileptic encephalopathy, early infantile, 6 (Dravet syndrome); SEVERE MYOCLONIC EPILEPSY OF INFANCY; DEVELOPMENTAL AND EPILEPTIC ENCEPHALOPATHY 6A; Severe Myoclonic Epilepsy in Infancy (SMEI); Dravet syndrome. Identifiers: Orphanet 33069, MedGen C0751122, MONDO:0100135, OMIM 607208.

Submission:

Center for Bioinformatics, Peking University
Classification: Pathogenic for Dravet syndrome. Last evaluated: 2014-12-20. Review status: criteria provided, single submitter. Criteria: Xu et al. (Hum Mutat. 2015). Collection method: research. Allele origin: de novo. Affected: yes. Observed: 1 variant allele. Study: University Clinical Cooperation “985 Project” PKU-2014-1-1.
Comment: Dravet syndrome (DS) probands were recruited from the outpatient and inpatient child neurology units of Peking University First Hospital from 2005 till present. The study was approved by the Ethics Committee of Peking University First Hospital and the Institutional Review Board at Peking University. Participants or their parents provided written informed consent before enrollment. We collected a total of 267 mutations from 255 families with probands diagnosed with DS in China. All probands fulfilled the clinical diagnostic criteria.

NM_001165963.4(SCN1A):c.2318_2319insT (p.Ile774fs)

Gene: SCN1A (sodium voltage-gated channel alpha subunit 1; minus strand). Cytogenetic location: 2q24.3.
Variant type: Insertion.
Coding change: c.2318_2319insT on transcript NM_001165963.4 (MANE Select); coding-DNA positions 2318 to 2319, T inserted.
Protein change: p.Ile774fs; shifts the reading frame from isoleucine 774.
Molecular consequence: frameshift variant. On other transcripts: non-coding transcript variant (1), 5 prime UTR variant (1).
Genome position: GRCh38 VCF-style: chr2-166041327-G-GA. GRCh37 (hg19) VCF-style: chr2-166897837-G-GA.
Other names: c.2285_2286insT, p.Ile763fs (NM_006920.6, NM_001353949.2, NM_001353950.2 and 2 more transcripts); c.2234_2235insT, p.Ile746fs (NM_001165964.3, NM_001353957.2, NM_001353958.2); c.2318_2319insT, p.Ile774fs (NM_001202435.3, NM_001353948.2); c.2282_2283insT, p.Ile762fs (NM_001353954.2, NM_001353955.2); c.2231_2232insT, p.Ile745fs (NM_001353960.2); c.-141_-140insT (NM_001353961.2); short protein forms I745fs, I774fs, I746fs, I762fs, I763fs.
Identifiers: ClinVar variation 189989 (VCV000189989.1), dbSNP rs794726820, ClinGen allele CA303490.